The following is an entry in ClinVar:

ClinVar aggregate classification (germline): Uncertain significance (1 of 4 stars; one submission).

Conditions:
Inborn genetic diseases. Identifiers: MedGen C0950123, MeSH D030342.

Submission:

Ambry Genetics
Classification: Uncertain significance for Inborn genetic diseases. Last evaluated: 2025-07-05. Review status: criteria provided, single submitter. Criteria: Ambry Variant Classification Scheme 2023. Collection method: clinical testing. Allele origin: germline.
Comment: The p.K176E variant (also known as c.526A>G), located in coding exon 1 of the SAMD9 gene, results from an A to G substitution at nucleotide position 526. The lysine at codon 176 is replaced by glutamic acid, an amino acid with similar properties. This amino acid position is conserved. In addition, this alteration is predicted to be tolerated by in silico analysis. Based on the available evidence, the clinical significance of this variant remains unclear.

NM_017654.4(SAMD9):c.526A>G (p.Lys176Glu)

Gene: SAMD9 (sterile alpha motif domain containing 9; minus strand). Cytogenetic location: 7q21.2.
Variant type: single nucleotide variant.
Coding change: c.526A>G on transcript NM_017654.4 (MANE Select); coding-DNA position 526, A replaced by G.
Protein change: p.Lys176Glu; replaces lysine 176 with glutamic acid.
Molecular consequence: missense variant.
Genome position (GRCh38, 1-based): chr7:93,105,572, T>C on the plus strand (A>G on the coding strand, the complement: SAMD9 is on the minus strand). VCF-style: chr7-93105572-T-C. GRCh37 (hg19) VCF-style: chr7-92734885-T-C.
Other names: c.526A>G, p.Lys176Glu (NM_001193307.2); short protein forms K176E.
Identifiers: ClinVar variation 4159062 (VCV004159062.1).
Genomic context (GRCh38, chr7:93,105,572, plus strand): 5'-CATGTATCGGATCAATGAGATTGCCTGGTCCTGTTTCAGGCTGTAGACTAAAATCCAACT[T>C]GTAACGATATGGATTACTGAATTCATCAAATGGATATGATACACATGTCAGGTCTATGGA-3'
Protein context (NP_060124.2, residues 166-186): FDEFSNPYRY[Lys176Glu]LDFSLQPETG